The following is an entry in ClinVar:

ClinVar aggregate classification (germline): Conflicting classifications of pathogenicity. Review status: criteria provided, conflicting classifications (1 of 4 stars). 7 submissions from 7 submitters: Pathogenic (1); Likely pathogenic (5); Uncertain significance (1). Last evaluated 2026-09-03.

Conditions:
Cardiovascular phenotype. Identifiers: MedGen CN230736.
Autosomal recessive limb-girdle muscular dystrophy type 2J (LGMDR10). Also called: Limb-girdle muscular dystrophy, type 2J; MUSCULAR DYSTROPHY, LIMB-GIRDLE, AUTOSOMAL RECESSIVE 10. Identifiers: Orphanet 140922, MedGen C1837342, MONDO:0012127, OMIM 608807.
Dilated cardiomyopathy 1G (CMD1G). Identifiers: Orphanet 154, MedGen C1858763, MONDO:0011400, OMIM 604145.
TTN-related disorder. Also called: TTN-related condition; TTN-related disease; TTN-related disorders.
Cardiomyopathy (CMYO). Also called: Cardiomyopathies. Identifiers: Orphanet 167848, MedGen C0878544, MONDO:0004994, HP:0001638. Inheritance: Various modes of inheritance.
Primary dilated cardiomyopathy (DCM). Also called: Dilated Cardiomyopathy. Identifiers: Orphanet 217604, MedGen C0007193, MeSH D002311, MONDO:0005021, HP:0001644. Inheritance: Various modes of inheritance.

gnomAD v4.1: 1 of 1,573,978 alleles (0.000064%); highest among the groups gnomAD compares: Non-Finnish European, 0.000086%; no homozygotes.

Submissions (7):

Ambry Genetics
Classification: Uncertain significance for Cardiovascular phenotype. Last evaluated: 2026-09-03. Review status: criteria provided, single submitter. Criteria: Ambry Variant Classification Scheme 2023. Collection method: clinical testing. Allele origin: germline.
Comment: The c.24544+1G>C intronic variant results from a G to C substitution one nucleotide after coding exon 99 of the TTN gene. Coding exon 99 is located in the A-band region of the N2-B isoform of the titin protein and is constitutively expressed in TTN transcripts (percent spliced in or PSI 100%). This nucleotide position is highly conserved in available vertebrate species. In silico splice site analysis predicts that this alteration will weaken the native splice donor site. This variant disrupts the canonical splice site and is expected to cause aberrant splicing. However, although direct evidence is unavailable, this variant is predicted to result in an in-frame transcript that is not expected to trigger nonsense-mediated mRNA decay. The exact functional effect of the predicted splice impact is unknown. Based on the available evidence, the clinical significance of this variant remains unclear.

GeneDx
Classification: Likely pathogenic. Last evaluated: 2026-06-16. Review status: criteria provided, single submitter. Criteria: GeneDx Variant Classification Process June 2021. Collection method: clinical testing. Allele origin: germline.
Comment: Canonical splice site variant predicted to result in an in-frame loss of the adjacent exon in a gene for which loss of function is a known mechanism of disease; Located in the A-band, a region of TTN for which truncating variants are significantly associated with autosomal dominant cardiomyopathy and also with autosomal recessive skeletal myopathies (PMID: 22335739, 32778822); Reported in an individual with cardiomyopathy, although further clinical information was not provided (PMID: 36138163); Not observed at significant frequency in large population cohorts (gnomAD); This variant is associated with the following publications: (PMID: 22335739, 32778822, 36138163)

Labcorp Genetics (formerly Invitae), Labcorp
Classification: Likely pathogenic for Dilated cardiomyopathy 1G; Autosomal recessive limb-girdle muscular dystrophy type 2J. Last evaluated: 2025-11-05. Review status: criteria provided, single submitter. Criteria: Invitae Variant Classification Sherloc (09022015). Collection method: clinical testing. Allele origin: germline.
Comment: This sequence change affects a donor splice site in intron 272 of the TTN gene. It is expected to disrupt RNA splicing and likely results in a truncated or disrupted TTN protein. This variant is not present in population databases (gnomAD no frequency). Disruption of this splice site has been observed in individual(s) with clinical features of TTN-related conditions (PMID: 36138163). ClinVar contains an entry for this variant (Variation ID: 179336). Algorithms developed to predict the effect of sequence changes on RNA splicing suggest that this variant may disrupt the consensus splice site. This variant is located in the A band of TTN (PMID: 25589632). Truncating variants in this region are significantly overrepresented in patients affected with dilated cardiomyopathy (PMID: 25589632). Truncating variants in this region have also been reported in individuals affected with autosomal recessive centronuclear myopathy (PMID: 23975875). In summary, the currently available evidence indicates that the variant is pathogenic, but additional data are needed to prove that conclusively. Therefore, this variant has been classified as Likely Pathogenic.

Blueprint Genetics
Classification: Likely pathogenic for TTN-related disorders. Last evaluated: 2024-01-22. Review status: criteria provided, single submitter. Criteria: ACMG Guidelines, 2015. Collection method: clinical testing. Allele origin: germline. Affected: yes. Observed: 5 variant alleles.

Victorian Clinical Genetics Services, Murdoch Childrens Research Institute
Classification: Likely pathogenic for Dilated cardiomyopathy 1G. Last evaluated: 2020-06-11. Review status: criteria provided, single submitter. Criteria: ACMG Guidelines, 2015. Collection method: clinical testing. Allele origin: germline. Affected: yes.
Comment: Based on the classification scheme VCGS_Germline_v1.1.1, this variant is classified as likely pathogenic. Following criteria are met: 0102 - Loss-of-function is a known mechanism of disease for this gene. (N) 0104 - Dominant Negative is a mechanism of disease for this gene. (N) 0108 - This gene is known to be associated with both recessive and dominant disease. (N) 0112 - Variants in this gene are known to have reduced penetrance (PMID: 25589632; PMID: 28045975). (N) 0211 - Canonical splice site variant located in intron 100 of 190, without proven consequence on splicing (no functional evidence available). (P) 0251 - Variant is heterozygous. (N) 0301 - Variant is absent from gnomAD. (P) 0505 - Abnormal splicing is predicted by in silico tools and affected nucleotide is highly conserved. (P) 0600 - Variant is located in an annotated domain or motif (PSI = 1, A band; PMID: 25589632). (N) 0705 - No comparable variants have previous evidence for pathogenicity. (N) 0803 - Low previous evidence of pathogenicity. This variant has been reported likely pathogenic in two unrelated patients with cardiomyopathy (ClinVar). (P) 0905 - No segregation evidence has been identified for this variant. (N) 1007 - No published functional evidence has been identified for this variant. (N) 1208 - Inheritance information for this variant is not currently available. (N) Legend: (P) - Pathogenic, (N) - Neutral, (B) - Benign

CHEO Genetics Diagnostic Laboratory, Children's Hospital of Eastern Ontario
Classification: Pathogenic for Cardiomyopathy. Last evaluated: 2017-10-27. Review status: criteria provided, single submitter. Criteria: ACMG Guidelines, 2015. Collection method: clinical testing. Allele origin: germline. Study: Canadian Open Genetics Repository.

Laboratory for Molecular Medicine, Mass General Brigham Personalized Medicine
Classification: Likely pathogenic for Primary dilated cardiomyopathy. Last evaluated: 2013-10-04. Review status: criteria provided, single submitter. Criteria: LMM Criteria. Collection method: clinical testing. Allele origin: germline. Inheritance: Autosomal dominant inheritance. Observed: 1 variant allele.
Comment: The 44035+1G>A variant in TTN has not been reported in individuals with cardiomy opathy or in large population studies. This variant occurs in the invariant regi on (+/- 1,2) of the splice consensus sequence and is predicted to cause altered splicing leading to an abnormal or absent protein. Alternative splicing and othe r truncating variants in TTN are strongly associated with DCM (Herman 2012). In summary, this variant is likely pathogenic, though additional studies are requir ed to fully establish its clinical significance.

Literature cited by the submitters: PubMed 36138163 (cited by Labcorp Genetics (formerly Invitae), Labcorp); PubMed 25589632 (cited by Labcorp Genetics (formerly Invitae), Labcorp and Victorian Clinical Genetics Services, Murdoch Childrens Research Institute); PubMed 23975875 (cited by Labcorp Genetics (formerly Invitae), Labcorp); PubMed 28045975 (cited by Victorian Clinical Genetics Services, Murdoch Childrens Research Institute).

NM_001267550.2(TTN):c.51739+1G>C

Genes: TTN (titin; minus strand), TTN-AS1 (TTN antisense RNA 1; plus strand). Cytogenetic location: 2q31.2.
Variant type: single nucleotide variant.
Coding change: c.51739+1G>C on transcript NM_001267550.2 (MANE Select); the canonical splice donor site of the intron after coding-DNA position 51739, G replaced by C.
Molecular consequence: splice donor variant.
Genome position (GRCh38, 1-based): chr2:178,609,683, C>G on the plus strand (G>C on the coding strand, the complement: TTN is on the minus strand). VCF-style: chr2-178609683-C-G. GRCh37 (hg19) VCF-style: chr2-179474410-C-G.
Other names: c.24544+1G>C (NM_003319.4); c.25120+1G>C (NM_133437.4); c.24919+1G>C (NM_133432.3); c.44035+1G>C (NM_133378.4); c.46816+1G>C (NM_001256850.1).
Identifiers: ClinVar variation 179336 (VCV000179336.18), dbSNP rs727504799, ClinGen allele CA273614.